The following is an entry in ClinVar:

NM_007363.5(NONO):c.604C>T (p.Arg202Trp)

Gene: NONO (non-POU domain containing octamer binding; plus strand). Cytogenetic location: Xq13.1.
Variant type: single nucleotide variant.
Coding change: c.604C>T on transcript NM_007363.5 (MANE Select); coding-DNA position 604, C replaced by T.
Protein change: p.Arg202Trp; replaces arginine 202 with tryptophan.
Molecular consequence: missense variant.
Genome position (GRCh38, 1-based): chrX:71,294,482, C>T. VCF-style: chrX-71294482-C-T. GRCh37 (hg19) VCF-style: chrX-70514332-C-T.
Other names: c.604C>T, p.Arg202Trp (NM_001145408.2, NM_001145409.2); c.337C>T, p.Arg113Trp (NM_001145410.2); short protein forms R113W, R202W.
Identifiers: ClinVar variation 2635117 (VCV002635117.12), dbSNP rs765426077, ClinGen allele CA10446085.

ClinVar aggregate classification (germline): Uncertain significance. Review status: criteria provided, multiple submitters, no conflicts (2 of 4 stars). 3 submissions from 3 submitters: Uncertain significance (3). Last evaluated 2025-05-01.

Conditions:
NONO-related disorder. Also called: NONO-related condition.

Submissions (3):

CeGaT Center for Human Genetics Tuebingen
Classification: Uncertain significance. Last evaluated: 2025-05-01. Review status: criteria provided, single submitter. Criteria: CeGaT Center For Human Genetics Tuebingen Variant Classification Criteria Version 2. Collection method: clinical testing. Allele origin: germline. Affected: yes. Observed: 2 variant alleles.
Comment: NONO: PM2, PP2

GeneDx
Classification: Uncertain significance. Last evaluated: 2023-10-25. Review status: criteria provided, single submitter. Criteria: GeneDx Variant Classification Process June 2021. Collection method: clinical testing. Allele origin: germline. Affected: yes.
Comment: Not observed at significant frequency in large population cohorts (gnomAD); In silico analysis supports that this missense variant has a deleterious effect on protein structure/function; Has not been previously published as pathogenic or benign to our knowledge

PreventionGenetics, part of Exact Sciences
Classification: Uncertain significance for NONO-related condition. Last evaluated: 2022-11-02. Review status: criteria provided, single submitter. Criteria: ACMG Guidelines, 2015. Collection method: clinical testing. Allele origin: germline.
Comment: The NONO c.604C>T variant is predicted to result in the amino acid substitution p.Arg202Trp. To our knowledge, this variant has not been reported in the literature or in a large population database, indicating this variant is rare. At this time, the clinical significance of this variant is uncertain due to the absence of conclusive functional and genetic evidence.